The following is an entry in ClinVar:

NM_007194.4(CHEK2):c.1035C>A (p.His345Gln)

Gene: CHEK2 (checkpoint kinase 2; minus strand). Cytogenetic location: 22q12.1.
Variant type: single nucleotide variant.
Coding change: c.1035C>A on transcript NM_007194.4 (MANE Select); coding-DNA position 1035, C replaced by A.
Protein change: p.His345Gln; replaces histidine 345 with glutamine.
Molecular consequence: missense variant. On other transcripts: intron variant (3).
Genome position (GRCh38, 1-based): chr22:28,696,961, G>T on the plus strand (C>A on the coding strand, the complement: CHEK2 is on the minus strand). VCF-style: chr22-28696961-G-T. GRCh37 (hg19) VCF-style: chr22-29092949-G-T.
Other names: c.1164C>A, p.His388Gln (NM_001005735.3); c.372C>A, p.His124Gln (NM_001257387.3, NM_001437942.1); c.834C>A, p.His278Gln (NM_001349956.3); c.1128C>A, p.His376Gln (NM_001438293.1); c.1009-1088C>A (NM_145862.3); c.1102-1088C>A (NM_001438295.1); c.1138-1088C>A (NM_001438294.1); short protein forms H345Q, H124Q, H388Q, H278Q, H376Q.
Identifiers: ClinVar variation 460773 (VCV000460773.7), dbSNP rs756520206, ClinGen allele CA411097744.

ClinVar aggregate classification (germline): Uncertain significance (1 of 4 stars; one submission).

Conditions:
Familial cancer of breast. Also called: BREAST CANCER, FAMILIAL; hereditary breast carcinoma; Hereditary breast cancer. Identifiers: Orphanet 227535, MedGen C0346153, MONDO:0016419, OMIM 114480. Disease mechanism: loss of function.

Submission:

Labcorp Genetics (formerly Invitae), Labcorp
Classification: Uncertain significance for Familial cancer of breast. Last evaluated: 2021-09-18. Review status: criteria provided, single submitter. Criteria: Invitae Variant Classification Sherloc (09022015). Collection method: clinical testing. Allele origin: germline.
Comment: In summary, the available evidence is currently insufficient to determine the role of this variant in disease. Therefore, it has been classified as a Variant of Uncertain Significance. Algorithms developed to predict the effect of missense changes on protein structure and function are either unavailable or do not agree on the potential impact of this missense change (SIFT: "Deleterious"; PolyPhen-2: "Probably Damaging"; Align-GVGD: "Class C0"). This variant has not been reported in the literature in individuals affected with CHEK2-related conditions. This variant is not present in population databases (ExAC no frequency). This sequence change replaces histidine with glutamine at codon 345 of the CHEK2 protein (p.His345Gln). The histidine residue is highly conserved and there is a small physicochemical difference between histidine and glutamine.